The following is an entry in ClinVar:

NM_001363711.2(DUOX2):c.3682C>T (p.Leu1228Phe)

Gene: DUOX2 (dual oxidase 2; minus strand). Cytogenetic location: 15q21.1.
Variant type: single nucleotide variant.
Coding change: c.3682C>T on transcript NM_001363711.2 (MANE Select); coding-DNA position 3682, C replaced by T.
Protein change: p.Leu1228Phe; replaces leucine 1228 with phenylalanine.
Molecular consequence: missense variant.
Genome position (GRCh38, 1-based): chr15:45,097,625, G>A on the plus strand (C>T on the coding strand, the complement: DUOX2 is on the minus strand). VCF-style: chr15-45097625-G-A. GRCh37 (hg19) VCF-style: chr15-45389823-G-A.
Other names: c.3682C>T, p.Leu1228Phe (NM_014080.5); short protein forms L1228F.
Identifiers: ClinVar variation 3676391 (VCV003676391.2).

ClinVar aggregate classification (germline): Uncertain significance (1 of 4 stars; one submission).

gnomAD v4.1: 2 of 1,614,136 alleles (0.00012%); highest among the groups gnomAD compares: Non-Finnish European, 0.00017%; no homozygotes.

Submission:

Labcorp Genetics (formerly Invitae), Labcorp
Classification: Uncertain significance. Last evaluated: 2024-10-19. Review status: criteria provided, single submitter. Criteria: Invitae Variant Classification Sherloc (09022015). Collection method: clinical testing. Allele origin: germline.
Comment: This sequence change replaces leucine, which is neutral and non-polar, with phenylalanine, which is neutral and non-polar, at codon 1228 of the DUOX2 protein (p.Leu1228Phe). This variant is not present in population databases (gnomAD no frequency). This variant has not been reported in the literature in individuals affected with DUOX2-related conditions. Invitae Evidence Modeling of protein sequence and biophysical properties (such as structural, functional, and spatial information, amino acid conservation, physicochemical variation, residue mobility, and thermodynamic stability) indicates that this missense variant is not expected to disrupt DUOX2 protein function with a negative predictive value of 80%. In summary, the available evidence is currently insufficient to determine the role of this variant in disease. Therefore, it has been classified as a Variant of Uncertain Significance.